The following is an entry in ClinVar:

ClinVar aggregate classification (germline): Uncertain significance (1 of 4 stars; one submission).

Conditions:
COG7 congenital disorder of glycosylation (CDG2E). Also called: CONGENITAL DISORDER OF GLYCOSYLATION, TYPE IIe; CDG IIe. Identifiers: Orphanet 79333, MedGen C2931010, MONDO:0012118, OMIM 608779.

Submission:

Labcorp Genetics (formerly Invitae), Labcorp
Classification: Uncertain significance for COG7 congenital disorder of glycosylation. Last evaluated: 2020-11-17. Review status: criteria provided, single submitter. Criteria: Invitae Variant Classification Sherloc (09022015). Collection method: clinical testing. Allele origin: germline.
Comment: This sequence change falls in intron 3 of the COG7 gene. It does not directly change the encoded amino acid sequence of the COG7 protein. This variant is not present in population databases (ExAC no frequency). This variant has not been reported in the literature in individuals with COG7-related conditions. Algorithms developed to predict the effect of sequence changes on RNA splicing suggest that this variant may create or strengthen a splice site, but this prediction has not been confirmed by published transcriptional studies. In summary, the available evidence is currently insufficient to determine the role of this variant in disease. Therefore, it has been classified as a Variant of Uncertain Significance.

NM_153603.4(COG7):c.436-12G>A

Gene: COG7 (component of oligomeric golgi complex 7; minus strand). Cytogenetic location: 16p12.2.
Variant type: single nucleotide variant.
Coding change: c.436-12G>A on transcript NM_153603.4 (MANE Select); 12 bases into the intron before coding-DNA position 436, G replaced by A.
Molecular consequence: intron variant.
Genome position (GRCh38, 1-based): chr16:23,442,657, C>T on the plus strand (G>A on the coding strand, the complement: COG7 is on the minus strand). VCF-style: chr16-23442657-C-T. GRCh37 (hg19) VCF-style: chr16-23453978-C-T.
Identifiers: ClinVar variation 1465841 (VCV001465841.8), dbSNP rs2142094162, ClinGen allele CA2573152084.